The following is an entry in ClinVar:

ClinVar aggregate classification (germline): Uncertain significance (1 of 4 stars; one submission).

Submission:

Labcorp Genetics (formerly Invitae), Labcorp
Classification: Uncertain significance. Last evaluated: 2022-11-07. Review status: criteria provided, single submitter. Criteria: Invitae Variant Classification Sherloc (09022015). Collection method: clinical testing. Allele origin: unknown.
Comment: In summary, the available evidence is currently insufficient to determine the role of this variant in disease. Therefore, it has been classified as a Variant of Uncertain Significance. Experimental studies and prediction algorithms are not available or were not evaluated, and the functional significance of this variant is currently unknown. This variant has not been reported in the literature in individuals affected with PBX1-related conditions. This variant is a gross deletion of the genomic region encompassing exon(s) 3-9 of the PBX1 gene, which includes the termination codon. This deletion extends beyond the assayed region for this gene and therefore may encompass additional genes. While this deletion is not anticipated to lead to nonsense mediated decay, it is expected to alter mRNA translation or result in a truncated protein product.

NC_000001.10:g.(?_164761711)_(164815913_?)del

Gene: PBX1 (PBX homeobox 1; plus strand). Cytogenetic location: 1q23.3.
Variant type: Deletion.
Identifiers: ClinVar variation 3247942 (VCV003247942.1).